The following is an entry in ClinVar:

ClinVar aggregate classification (germline): Likely benign. Review status: criteria provided, single submitter (1 of 4 stars). 2 submissions from 2 submitters: Likely benign (1). 1 of the submissions does not count toward it. Last evaluated 2024-03-12.

Conditions:
COL4A3-related disorder. Also called: COL4A3-related condition; COL4A3-Related Disorders.

Allele frequency attached by ClinVar (database versions not stated): ExAC 0.00002; gnomAD exomes 0.00002; gnomAD 0.00003 and 0.00004.
gnomAD v4.1: 37 of 1,614,014 alleles (0.0023%); highest among the groups gnomAD compares: African/African-American, 0.0067%; no homozygotes.

Submissions (2):

Labcorp Genetics (formerly Invitae), Labcorp
Classification: Likely benign. Last evaluated: 2024-03-12. Review status: criteria provided, single submitter. Criteria: Invitae Variant Classification Sherloc (09022015). Collection method: clinical testing. Allele origin: germline.

PreventionGenetics, part of Exact Sciences
Classification: Likely benign for COL4A3-related condition. Last evaluated: 2024-09-26. Review status: no assertion criteria provided. Collection method: clinical testing. Allele origin: germline. Not counted in ClinVar's aggregate classification.
Comment: This variant is classified as likely benign based on ACMG/AMP sequence variant interpretation guidelines (Richards et al. 2015 PMID: 25741868, with internal and published modifications).

NM_000091.5(COL4A3):c.4716C>T (p.His1572=)

Genes: COL4A3 (collagen type IV alpha 3 chain; plus strand), MFF-DT (MFF divergent transcript; minus strand). Cytogenetic location: 2q36.3.
Variant type: single nucleotide variant.
Coding change: c.4716C>T on transcript NM_000091.5 (MANE Select); coding-DNA position 4716, C replaced by T.
Protein change: p.His1572=; no amino-acid change (histidine 1572 retained).
Molecular consequence: synonymous variant.
Genome position (GRCh38, 1-based): chr2:227,309,279, C>T. VCF-style: chr2-227309279-C-T. GRCh37 (hg19) VCF-style: chr2-228173995-C-T.
Other names: c.4716C>T (NM_000091.4).
Identifiers: ClinVar variation 1079678 (VCV001079678.10), dbSNP rs755823670, ClinGen allele CA2147615.
Genomic context (GRCh38, chr2:227,309,279, plus strand): 5'-AGGTCCTGCGATCGCCATAGCCGTTCACAGCCAAACCACTGACATTCCTCCATGTCCTCA[C>T]GGCTGGATTTCTCTCTGGAAAGGATTTTCATTCATCATGGTGAGGAGAAAAGGAACAGGA-3'
Protein context (NP_000082.2, residues 1562-1582): SQTTDIPPCP[His1572=]GWISLWKGFS